The following is an entry in ClinVar:

NM_001005273.3(CHD3):c.391G>A (p.Glu131Lys)

Gene: CHD3 (chromodomain helicase DNA binding protein 3; plus strand). Cytogenetic location: 17p13.1.
Variant type: single nucleotide variant.
Coding change: c.391G>A on transcript NM_001005273.3 (MANE Select); coding-DNA position 391, G replaced by A.
Protein change: p.Glu131Lys; replaces glutamic acid 131 with lysine.
Molecular consequence: missense variant.
Genome position (GRCh38, 1-based): chr17:7,890,946, G>A. VCF-style: chr17-7890946-G-A. GRCh37 (hg19) VCF-style: chr17-7794264-G-A.
Other names: c.568G>A, p.Glu190Lys (NM_001437504.1, NM_001437507.1, NM_001437508.1 and 2 more transcripts); c.391G>A, p.Glu131Lys (NM_005852.4); short protein forms E131K, E190K.
Identifiers: ClinVar variation 4076918 (VCV004076918.1).

ClinVar aggregate classification (germline): Uncertain significance (1 of 4 stars; one submission).

Submission:

GeneDx
Classification: Uncertain significance. Last evaluated: 2025-02-22. Review status: criteria provided, single submitter. Criteria: GeneDx Variant Classification Process June 2021. Collection method: clinical testing. Allele origin: germline. Affected: yes.
Comment: Not observed at significant frequency in large population cohorts (gnomAD); In silico analysis supports that this missense variant has a deleterious effect on protein structure/function; Has not been previously published as pathogenic or benign to our knowledge